The following is an entry in ClinVar:

ClinVar aggregate classification (germline): Uncertain significance (1 of 4 stars; one submission).

Conditions:
Birt-Hogg-Dube syndrome. Also called: Birt Hogg Dubé syndrome. Identifiers: Orphanet 122, MedGen C0346010, MONDO:0800444.

Submission:

Labcorp Genetics (formerly Invitae), Labcorp
Classification: Uncertain significance for Birt-Hogg-Dube syndrome. Last evaluated: 2018-07-31. Review status: criteria provided, single submitter. Criteria: Invitae Variant Classification Sherloc (09022015). Collection method: clinical testing. Allele origin: germline.
Comment: In summary, the available evidence is currently insufficient to determine the role of this variant in disease. Therefore, it has been classified as a Variant of Uncertain Significance. Experimental studies and prediction algorithms are not available for this variant, and the functional significance of the duplicated amino acids is currently unknown. This variant has not been reported in the literature in individuals with FLCN-related disease. This variant results in a copy number gain of the genomic region encompassing exons 8-14 of the FLCN gene. The 5' boundary is likely confined to intron 7. The 3' end of this event is unknown as it extends beyond the assayed region for this gene and therefore may encompass additional genes. As the precise location of this event is unknown, it may be in tandem or it may be located elsewhere in the genome.

NC_000017.10:g.(?_17116959)_(17124952_?)dup

Gene: FLCN (folliculin; minus strand). Cytogenetic location: 17p11.2.
Variant type: Duplication.
Identifiers: ClinVar variation 664449 (VCV000664449.4).